The following is an entry in ClinVar:

ClinVar aggregate classification (germline): Uncertain significance. Review status: criteria provided, multiple submitters, no conflicts (2 of 4 stars). 2 submissions from 2 submitters: Uncertain significance (2). Last evaluated 2025-10-15.

Conditions:
Primary ciliary dyskinesia. Also called: Ciliary dyskinesia. Identifiers: Orphanet 244, MedGen C0008780, MONDO:0016575, HP:0012265.

Allele frequency attached by ClinVar (database versions not stated): gnomAD exomes below 0.00001 and 0.00001; gnomAD 0.00001; TOPMed 0.00001.
gnomAD v4.1: 6 of 1,614,054 alleles (0.00037%); highest among the groups gnomAD compares: Admixed American, 0.01%; no homozygotes.

Submissions (2):

Labcorp Genetics (formerly Invitae), Labcorp
Classification: Uncertain significance for Primary ciliary dyskinesia. Last evaluated: 2025-10-15. Review status: criteria provided, single submitter. Criteria: Invitae Variant Classification Sherloc (09022015). Collection method: clinical testing. Allele origin: germline.
Comment: This sequence change replaces glutamine, which is neutral and polar, with arginine, which is basic and polar, at codon 64 of the DNAAF1 protein (p.Gln64Arg). This variant is present in population databases (no rsID available, gnomAD 0.006%). This variant has not been reported in the literature in individuals affected with DNAAF1-related conditions. ClinVar contains an entry for this variant (Variation ID: 242160). An algorithm developed to predict the effect of missense changes on protein structure and function (PolyPhen-2) suggests that this variant is likely to be disruptive. In summary, the available evidence is currently insufficient to determine the role of this variant in disease. Therefore, it has been classified as a Variant of Uncertain Significance.

Ambry Genetics
Classification: Uncertain significance for Primary ciliary dyskinesia. Last evaluated: 2025-08-20. Review status: criteria provided, single submitter. Criteria: Ambry Variant Classification Scheme 2023. Collection method: clinical testing. Allele origin: germline.

NM_178452.6(DNAAF1):c.191A>G (p.Gln64Arg)

Gene: DNAAF1 (dynein axonemal assembly factor 1; plus strand). Cytogenetic location: 16q24.1.
Variant type: single nucleotide variant.
Coding change: c.191A>G on transcript NM_178452.6 (MANE Select); coding-DNA position 191, A replaced by G.
Protein change: p.Gln64Arg; replaces glutamine 64 with arginine.
Molecular consequence: missense variant.
Genome position (GRCh38, 1-based): chr16:84,149,073, A>G. VCF-style: chr16-84149073-A-G. GRCh37 (hg19) VCF-style: chr16-84182678-A-G.
Other names: short protein forms Q64R.
Identifiers: ClinVar variation 242160 (VCV000242160.9), dbSNP rs878855278, ClinGen allele CA10583432.